The following is an entry in ClinVar:

ClinVar aggregate classification (germline): Uncertain significance (1 of 4 stars; one submission).

Conditions:
Lissencephaly 9 with complex brainstem malformation. Identifiers: Orphanet 572013, MedGen C5193029, MONDO:0032677, OMIM 618325.

gnomAD v4.1: 3 of 1,614,052 alleles (0.00019%); highest among the groups gnomAD compares: South Asian, 0.0022%; no homozygotes.

Submission:

Neuberg Centre For Genomic Medicine, NCGM
Classification: Uncertain significance for Lissencephaly 9 with complex brainstem malformation. Last evaluated: 2023-07-22. Review status: criteria provided, single submitter. Criteria: ACMG Guidelines, 2015. Collection method: clinical testing. Allele origin: germline. Inheritance: Autosomal dominant inheritance. Affected: yes.
Comment: The missense variant c.3013C>T p.Arg1005Cys in the MACF1 gene has not been reported previously as a pathogenic variant nor as a benign variant, to our knowledge. This variant is reported with the allele frequency 0.0003% in the gnomAD Exomes. The amino acid Arg at position 1005 is changed to a Cys changing protein sequence and it might alter its composition and physico-chemical properties. Multiple lines of computational evidence Polyphen - Damaging, SIFT - Damaging and MutationTaster - Disease causing predict a damaging effect on protein structure and function for this variant. The amino acid change p.Arg1005Cys in MACF1 is predicted as conserved by GERP++ and PhyloP across 100 vertebrates. For these reasons, this variant has been classified as Uncertain Significance.

NM_001394062.1(MACF1):c.2998C>T (p.Arg1000Cys)

Gene: MACF1 (microtubule actin crosslinking factor 1; plus strand). Cytogenetic location: 1p34.3.
Variant type: single nucleotide variant.
Coding change: c.2998C>T on transcript NM_001394062.1 (MANE Select); coding-DNA position 2998, C replaced by T.
Protein change: p.Arg1000Cys; replaces arginine 1000 with cysteine.
Molecular consequence: missense variant.
Genome position (GRCh38, 1-based): chr1:39,310,326, C>T. VCF-style: chr1-39310326-C-T. GRCh37 (hg19) VCF-style: chr1-39775998-C-T.
Other names: c.3013C>T, p.Arg1005Cys (NM_012090.5); short protein forms R1000C, R1005C.
Identifiers: ClinVar variation 3391236 (VCV003391236.1).
Genomic context (GRCh38, chr1:39,310,326, plus strand): 5'-GAGTGCCATCAGATTATGAAGAACCTTCAGGCCCACTATGAAGACTTTCTGCAGGATAGT[C>T]GTGACTCTGTGCTGTTCTCAGTGGCTGATCGCTTGCGCTTGGAAGAGGAGGTGGAAGCTT-3'
Protein context (NP_001380991.1, residues 990-1010): AHYEDFLQDS[Arg1000Cys]DSVLFSVADR